The following is an entry in ClinVar:

ClinVar aggregate classification (germline): Uncertain significance (1 of 4 stars; one submission).

Submission:

Labcorp Genetics (formerly Invitae), Labcorp
Classification: Uncertain significance. Last evaluated: 2023-11-29. Review status: criteria provided, single submitter. Criteria: Invitae Variant Classification Sherloc (09022015). Collection method: clinical testing. Allele origin: germline.
Comment: This sequence change replaces leucine, which is neutral and non-polar, with phenylalanine, which is neutral and non-polar, at codon 68 of the RPL19 protein (p.Leu68Phe). This variant is not present in population databases (gnomAD no frequency). This variant has not been reported in the literature in individuals affected with RPL19-related conditions. An algorithm developed to predict the effect of missense changes on protein structure and function (PolyPhen-2) suggests that this variant is likely to be disruptive. In summary, the available evidence is currently insufficient to determine the role of this variant in disease. Therefore, it has been classified as a Variant of Uncertain Significance.

NM_000981.4(RPL19):c.204G>C (p.Leu68Phe)

Gene: RPL19 (ribosomal protein L19; plus strand). Cytogenetic location: 17q12.
Variant type: single nucleotide variant.
Coding change: c.204G>C on transcript NM_000981.4 (MANE Select); coding-DNA position 204, G replaced by C.
Protein change: p.Leu68Phe; replaces leucine 68 with phenylalanine.
Molecular consequence: missense variant.
Genome position (GRCh38, 1-based): chr17:39,202,408, G>C. VCF-style: chr17-39202408-G-C. GRCh37 (hg19) VCF-style: chr17-37358661-G-C.
Other names: c.198G>C, p.Leu66Phe (NM_001330200.1); short protein forms L66F, L68F.
Identifiers: ClinVar variation 2699761 (VCV002699761.3), dbSNP rs2509310847, ClinGen allele CA398835575.